The following is an entry in ClinVar:

NM_015631.6(TCTN3):c.510C>G (p.Asn170Lys)

Gene: TCTN3 (tectonic family member 3; minus strand). Cytogenetic location: 10q24.1.
Variant type: single nucleotide variant.
Coding change: c.510C>G on transcript NM_015631.6 (MANE Select); coding-DNA position 510, C replaced by G.
Protein change: p.Asn170Lys; replaces asparagine 170 with lysine.
Molecular consequence: missense variant. On other transcripts: intron variant (1).
Genome position (GRCh38, 1-based): chr10:95,687,709, G>C on the plus strand (C>G on the coding strand, the complement: TCTN3 is on the minus strand). VCF-style: chr10-95687709-G-C. GRCh37 (hg19) VCF-style: chr10-97447466-G-C.
Other names: c.564C>G, p.Asn188Lys (NM_001013840.1); c.510C>G, p.Asn170Lys (NM_001410982.1); c.500-550C>G (NM_001143973.2); short protein forms N170K, N188K.
Identifiers: ClinVar variation 2082173 (VCV002082173.1), dbSNP rs2492764825, ClinGen allele CA377709075.
Genomic context (GRCh38, chr10:95,687,709, plus strand): 5'-AAACTCTGCAGCCAGGGCCTGGAAGTTGGTTGCATTGACCTTTTGAAGCTTCTGGAAATA[G>C]TTTAAGTTTGCTAAAATGTTTTTTAAAAGAAAAAGCGTTTAGATAAAAGAAAAACATGCC-3'
Protein context (NP_056446.4, residues 160-180): FCVHVNNSNL[Asn170Lys]YFQKLQKVNA

ClinVar aggregate classification (germline): Uncertain significance (1 of 4 stars; one submission).

Conditions:
Joubert syndrome 18 (JBTS18). Identifiers: Orphanet 2754, MedGen C3553758, MONDO:0013896, OMIM 614815.
Orofacial-digital syndrome IV (OFD4). Also called: BARAITSER-BURN SYNDROME; OFD SYNDROME WITH TIBIAL DEFECTS; OFD SYNDROME, BARAITSER-BURN TYPE; OFDS IV; ORAL-FACIAL-DIGITAL SYNDROME, TYPE IV; Orofaciodigital syndrome IV. Identifiers: Orphanet 2753, MedGen C0406727, MONDO:0009794, OMIM 258860.

Allele frequency attached by ClinVar (database versions not stated): gnomAD exomes below 0.00001.
gnomAD v4.1: 3 of 1,609,854 alleles (0.00019%); highest among the groups gnomAD compares: Non-Finnish European, 0.00025%; no homozygotes.

Submission:

Labcorp Genetics (formerly Invitae), Labcorp
Classification: Uncertain significance for Joubert syndrome 18; Orofacial-digital syndrome IV. Last evaluated: 2022-07-25. Review status: criteria provided, single submitter. Criteria: Invitae Variant Classification Sherloc (09022015). Collection method: clinical testing. Allele origin: germline.
Comment: This sequence change replaces asparagine, which is neutral and polar, with lysine, which is basic and polar, at codon 170 of the TCTN3 protein (p.Asn170Lys). This variant is not present in population databases (gnomAD no frequency). This variant has not been reported in the literature in individuals affected with TCTN3-related conditions. Algorithms developed to predict the effect of missense changes on protein structure and function (SIFT, PolyPhen-2, Align-GVGD) all suggest that this variant is likely to be disruptive. Algorithms developed to predict the effect of sequence changes on RNA splicing suggest that this variant may disrupt the consensus splice site. In summary, the available evidence is currently insufficient to determine the role of this variant in disease. Therefore, it has been classified as a Variant of Uncertain Significance.